The following is an entry in ClinVar:

NM_001098.3(ACO2):c.1348C>T (p.Pro450Ser)

Gene: ACO2 (aconitase 2; plus strand). Cytogenetic location: 22q13.2.
Variant type: single nucleotide variant.
Coding change: c.1348C>T on transcript NM_001098.3 (MANE Select); coding-DNA position 1348, C replaced by T.
Protein change: p.Pro450Ser; replaces proline 450 with serine.
Molecular consequence: missense variant.
Genome position (GRCh38, 1-based): chr22:41,523,256, C>T. VCF-style: chr22-41523256-C-T. GRCh37 (hg19) VCF-style: chr22-41919260-C-T.
Other names: short protein forms P450S.
Identifiers: ClinVar variation 1709424 (VCV001709424.2), dbSNP rs2518230280, ClinGen allele CA411725673.

ClinVar aggregate classification (germline): Uncertain significance (1 of 4 stars; one submission).

Conditions:
Optic atrophy 9 (OPA9). Identifiers: MedGen C4225384, MONDO:0014571, OMIM 616289.

Submission:

MGZ Medical Genetics Center
Classification: Uncertain significance for Optic atrophy 9. Last evaluated: 2022-06-01. Review status: criteria provided, single submitter. Criteria: ACMG Guidelines, 2015. Collection method: clinical testing. Allele origin: germline. Affected: yes. Observed: 1 variant allele.
Comment: ACMG criteria applied: PM2_SUP, PP3